The following is an entry in ClinVar:

NM_001904.4(CTNNB1):c.24G>A (p.Met8Ile)

Genes: CTNNB1 (catenin beta 1; plus strand), LOC126806658 (BRD4-independent group 4 enhancer GRCh37_chr3:41265899-41267098; plus strand). Cytogenetic location: 3p22.1.
Variant type: single nucleotide variant.
Coding change: c.24G>A on transcript NM_001904.4 (MANE Select); coding-DNA position 24, G replaced by A.
Protein change: p.Met8Ile; replaces methionine 8 with isoleucine.
Molecular consequence: missense variant. On other transcripts: initiator codon variant (1).
Genome position (GRCh38, 1-based): chr3:41,224,536, G>A. VCF-style: chr3-41224536-G-A. GRCh37 (hg19) VCF-style: chr3-41266027-G-A.
Other names: c.24G>A, p.Met8Ile (NM_001098209.2, NM_001098210.2); c.3G>A, p.Met1Ile (NM_001330729.2); short protein forms M1I, M8I.
Identifiers: ClinVar variation 3573896 (VCV003573896.1).

ClinVar aggregate classification (germline): Uncertain significance (1 of 4 stars; one submission).

Submission:

GeneDx
Classification: Uncertain significance. Last evaluated: 2024-07-18. Review status: criteria provided, single submitter. Criteria: GeneDx Variant Classification Process June 2021. Collection method: clinical testing. Allele origin: germline. Affected: yes.
Comment: Not observed at significant frequency in large population cohorts (gnomAD); In silico analysis supports that this missense variant has a deleterious effect on protein structure/function; Has not been previously published as pathogenic or benign to our knowledge